The following is an entry in ClinVar:

NM_014314.4(RIGI):c.796A>T (p.Thr266Ser)

Gene: RIGI (RNA sensor RIG-I; minus strand). Cytogenetic location: 9p21.1.
Variant type: single nucleotide variant.
Coding change: c.796A>T on transcript NM_014314.4 (MANE Select); coding-DNA position 796, A replaced by T.
Protein change: p.Thr266Ser; replaces threonine 266 with serine.
Molecular consequence: missense variant.
Genome position (GRCh38, 1-based): chr9:32,489,347, T>A on the plus strand (A>T on the coding strand, the complement: RIGI is on the minus strand). VCF-style: chr9-32489347-T-A. GRCh37 (hg19) VCF-style: chr9-32489345-T-A.
Other names: c.796A>T, p.Thr266Ser (NM_001385907.1, NM_001385909.1); c.355A>T, p.Thr119Ser (NM_001385910.1); c.187A>T, p.Thr63Ser (NM_001385912.1); c.781A>T, p.Thr261Ser (NM_001385913.1); c.352A>T, p.Thr118Ser (NM_001385914.1); short protein forms T118S, T119S, T266S, T261S, T63S.
Identifiers: ClinVar variation 1370993 (VCV001370993.6), dbSNP rs2118808257, ClinGen allele CA373158835.

ClinVar aggregate classification (germline): Uncertain significance (1 of 4 stars; one submission).

Allele frequency attached by ClinVar (database versions not stated): gnomAD exomes below 0.00001.
gnomAD v4.1: 3 of 1,606,566 alleles (0.00019%); highest among the groups gnomAD compares: Non-Finnish European, 0.00026%; no homozygotes.

Submission:

Labcorp Genetics (formerly Invitae), Labcorp
Classification: Uncertain significance. Last evaluated: 2021-07-30. Review status: criteria provided, single submitter. Criteria: Invitae Variant Classification Sherloc (09022015). Collection method: clinical testing. Allele origin: germline.
Comment: In summary, the available evidence is currently insufficient to determine the role of this variant in disease. Therefore, it has been classified as a Variant of Uncertain Significance. Algorithms developed to predict the effect of missense changes on protein structure and function are either unavailable or do not agree on the potential impact of this missense change (SIFT: "Deleterious"; PolyPhen-2: "Probably Damaging"; Align-GVGD: "Class C0"). This variant has not been reported in the literature in individuals affected with DDX58-related conditions. This variant is not present in population databases (ExAC no frequency). This sequence change replaces threonine with serine at codon 266 of the DDX58 protein (p.Thr266Ser). The threonine residue is highly conserved and there is a small physicochemical difference between threonine and serine.